The following is an entry in ClinVar:

NM_000264.5(PTCH1):c.4007G>A (p.Arg1336Lys)

Gene: PTCH1 (patched 1; minus strand). Cytogenetic location: 9q22.32.
Variant type: single nucleotide variant.
Coding change: c.4007G>A on transcript NM_000264.5 (MANE Select); coding-DNA position 4007, G replaced by A.
Protein change: p.Arg1336Lys; replaces arginine 1336 with lysine.
Molecular consequence: missense variant. On other transcripts: non-coding transcript variant (1).
Genome position (GRCh38, 1-based): chr9:95,447,249, C>T on the plus strand (G>A on the coding strand, the complement: PTCH1 is on the minus strand). VCF-style: chr9-95447249-C-T. GRCh37 (hg19) VCF-style: chr9-98209531-C-T.
Other names: c.3554G>A, p.Arg1185Lys (NM_001083604.3, NM_001083605.3, NM_001083606.3 and 1 more transcripts); c.3851G>A, p.Arg1284Lys (NM_001354918.2); c.3809G>A, p.Arg1270Lys (NM_001083602.3); c.4004G>A, p.Arg1335Lys (NM_001083603.3); short protein forms R1336K, R1335K, R1284K, R1185K, R1270K.
Identifiers: ClinVar variation 963221 (VCV000963221.10), dbSNP rs1838019737, ClinGen allele CA374110488.

ClinVar aggregate classification (germline): Uncertain significance (1 of 4 stars; one submission).

Conditions:
Gorlin syndrome. Also called: Basal cell nevus syndrome; Nevoid Basal Cell Carcinoma Syndrome. Identifiers: Orphanet 377, MedGen C0004779, MONDO:0007187.

Allele frequency attached by ClinVar (database versions not stated): gnomAD exomes below 0.00001.
gnomAD v4.1: 1 of 1,612,980 alleles (0.000062%); highest among the groups gnomAD compares: Non-Finnish European, 0.000085%; no homozygotes.

Submission:

Labcorp Genetics (formerly Invitae), Labcorp
Classification: Uncertain significance for Gorlin syndrome. Last evaluated: 2023-11-28. Review status: criteria provided, single submitter. Criteria: Invitae Variant Classification Sherloc (09022015). Collection method: clinical testing. Allele origin: germline.
Comment: This sequence change replaces arginine, which is basic and polar, with lysine, which is basic and polar, at codon 1336 of the PTCH1 protein (p.Arg1336Lys). This variant is not present in population databases (gnomAD no frequency). This variant has not been reported in the literature in individuals affected with PTCH1-related conditions. ClinVar contains an entry for this variant (Variation ID: 963221). Advanced modeling of protein sequence and biophysical properties (such as structural, functional, and spatial information, amino acid conservation, physicochemical variation, residue mobility, and thermodynamic stability) performed at Invitae indicates that this missense variant is not expected to disrupt PTCH1 protein function with a negative predictive value of 95%. In summary, the available evidence is currently insufficient to determine the role of this variant in disease. Therefore, it has been classified as a Variant of Uncertain Significance.